The following is an entry in ClinVar:

ClinVar aggregate classification (germline): Uncertain significance. Review status: criteria provided, single submitter (1 of 4 stars). 2 submissions from 2 submitters: Uncertain significance (1). 1 of the submissions does not count toward it. Last evaluated 2024-08-05.

Conditions:
MAPK8IP3-related disorder. Also called: MAPK8IP3-related condition.
Inborn genetic diseases. Identifiers: MedGen C0950123, MeSH D030342.

Allele frequency attached by ClinVar (database versions not stated): ExAC 0.00001; gnomAD 0.00001; TOPMed 0.00001.
gnomAD v4.1: 19 of 1,613,912 alleles (0.0012%); highest among the groups gnomAD compares: Non-Finnish European, 0.0016%; no homozygotes.

Submissions (2):

Ambry Genetics
Classification: Uncertain significance for Inborn genetic diseases. Last evaluated: 2024-08-05. Review status: criteria provided, single submitter. Criteria: Ambry Variant Classification Scheme 2023. Collection method: clinical testing. Allele origin: germline.

PreventionGenetics, part of Exact Sciences
Classification: Uncertain significance for MAPK8IP3-related condition. Last evaluated: 2023-10-24. Review status: no assertion criteria provided. Collection method: clinical testing. Allele origin: germline. Not counted in ClinVar's aggregate classification.
Comment: The MAPK8IP3 c.1382G>T variant is predicted to result in the amino acid substitution p.Gly461Val. To our knowledge, this variant has not been reported in the literature. This variant is reported in 0.0035% of alleles in individuals of European (Non-Finnish) descent in gnomAD. At this time, the clinical significance of this variant is uncertain due to the absence of conclusive functional and genetic evidence.

NM_001318852.2(MAPK8IP3):c.1382G>T (p.Gly461Val)

Gene: MAPK8IP3 (mitogen-activated protein kinase 8 interacting protein 3; plus strand). Cytogenetic location: 16p13.3.
Variant type: single nucleotide variant.
Coding change: c.1382G>T on transcript NM_001318852.2 (MANE Select); coding-DNA position 1382, G replaced by T.
Protein change: p.Gly461Val; replaces glycine 461 with valine.
Molecular consequence: missense variant.
Genome position (GRCh38, 1-based): chr16:1,760,457, G>T. VCF-style: chr16-1760457-G-T. GRCh37 (hg19) VCF-style: chr16-1810458-G-T.
Other names: c.1361G>T, p.Gly454Val (NM_001040439.2); c.1379G>T, p.Gly460Val (NM_015133.5, NM_033392.3); c.1379G>T (NM_015133.3); short protein forms G454V, G460V, G461V.
Identifiers: ClinVar variation 3048054 (VCV003048054.3), dbSNP rs753731311, ClinGen allele CA7816822.
Genomic context (GRCh38, chr16:1,760,457, plus strand): 5'-TGAAGAATGACCTGATTGCCAAGGTCGACCAGCTGTCCGGGGAGCAGGAGGTGCTGAGGG[G>T]CGAGTTGGAGGCTGCTAAGCAGGCCAAAGTCAAGCTGGAAAACCGTATCAAGGAGCTGGA-3'
Protein context (NP_001305781.1, residues 451-471): QLSGEQEVLR[Gly461Val]ELEAAKQAKV